The following is an entry in ClinVar:

NM_000717.5(CA4):c.335A>G (p.Lys112Arg)

Gene: CA4 (carbonic anhydrase 4; plus strand). Cytogenetic location: 17q23.1.
Variant type: single nucleotide variant.
Coding change: c.335A>G on transcript NM_000717.5 (MANE Select); coding-DNA position 335, A replaced by G.
Protein change: p.Lys112Arg; replaces lysine 112 with arginine.
Molecular consequence: missense variant. On other transcripts: non-coding transcript variant (1).
Genome position (GRCh38, 1-based): chr17:60,157,493, A>G. VCF-style: chr17-60157493-A-G. GRCh37 (hg19) VCF-style: chr17-58234854-A-G.
Other names: short protein forms K112R.
Identifiers: ClinVar variation 1713415 (VCV001713415.5), dbSNP rs1341119460, ClinGen allele CA400454858.

ClinVar aggregate classification (germline): Uncertain significance (1 of 4 stars; one submission).

Submission:

Labcorp Genetics (formerly Invitae), Labcorp
Classification: Uncertain significance. Last evaluated: 2022-08-12. Review status: criteria provided, single submitter. Criteria: Invitae Variant Classification Sherloc (09022015). Collection method: clinical testing. Allele origin: germline.
Comment: In summary, the available evidence is currently insufficient to determine the role of this variant in disease. Therefore, it has been classified as a Variant of Uncertain Significance. Algorithms developed to predict the effect of missense changes on protein structure and function are either unavailable or do not agree on the potential impact of this missense change (SIFT: "Not Available"; PolyPhen-2: "Benign"; Align-GVGD: "Not Available"). This variant has not been reported in the literature in individuals affected with CA4-related conditions. This variant is not present in population databases (gnomAD no frequency). This sequence change replaces lysine, which is basic and polar, with arginine, which is basic and polar, at codon 112 of the CA4 protein (p.Lys112Arg).